The following is an entry in ClinVar:

ClinVar aggregate classification (germline): Pathogenic (1 of 4 stars; one submission).

Conditions:
Familial cancer of breast. Also called: hereditary breast carcinoma; Hereditary breast cancer; BREAST CANCER, FAMILIAL. Identifiers: Orphanet 227535, MedGen C0346153, MONDO:0016419, OMIM 114480. Disease mechanism: loss of function.

Submission:

Labcorp Genetics (formerly Invitae), Labcorp
Classification: Pathogenic for Familial cancer of breast. Last evaluated: 2021-05-16. Review status: criteria provided, single submitter. Criteria: Invitae Variant Classification Sherloc (09022015). Collection method: clinical testing. Allele origin: germline.
Comment: For these reasons, this variant has been classified as Pathogenic. This variant has not been reported in the literature in individuals with PALB2-related conditions. This variant is not present in population databases (ExAC no frequency). This sequence change creates a premature translational stop signal (p.Ala391Glnfs*33) in the PALB2 gene. It is expected to result in an absent or disrupted protein product. Loss-of-function variants in PALB2 are known to be pathogenic (PMID: 17200668, 24136930, 25099575).

Literature cited by the submitters: PubMed 17200668; PubMed 24136930; PubMed 25099575.

NM_024675.4(PALB2):c.1170del (p.Ala391fs)

Gene: PALB2 (partner and localizer of BRCA2; minus strand). Cytogenetic location: 16p12.2.
Variant type: Deletion.
Coding change: c.1170del on transcript NM_024675.4 (MANE Select); coding-DNA position 1170, one base deleted (T; older notation c.1170delT).
Protein change: p.Ala391fs; shifts the reading frame from alanine 391.
Molecular consequence: frameshift variant.
Genome position (GRCh38, 1-based): chr16:23,635,376, A deleted on the plus strand (T on the coding strand, the reverse complement: PALB2 is on the minus strand). VCF-style (leftmost placement, unchanged base first): chr16-23635375-CA-C. GRCh37 (hg19) VCF-style: chr16-23646696-CA-C.
Other names: short protein forms A391fs.
Identifiers: ClinVar variation 1350694 (VCV001350694.7), dbSNP rs2142423901, ClinGen allele CA2573152185.
Genomic context (GRCh38, chr16:23,635,375, plus strand): 5'-TAACATAATATTCTGCAGGAAACAGAAGGCCTTCAGGCACTGTGCAAGAATGTTTTTCTG[CA>C]GAAAGAGGAGAGGTTGCTTCCAGGCTAAGACTCTTAGGTTGACTTAGAATCTCACTTTCC-3'